The following is an entry in ClinVar:

NM_001206927.2(DNAH8):c.6896G>A (p.Ser2299Asn)

Gene: DNAH8 (dynein axonemal heavy chain 8; plus strand). Cytogenetic location: 6p21.2.
Variant type: single nucleotide variant.
Coding change: c.6896G>A on transcript NM_001206927.2 (MANE Select); coding-DNA position 6896, G replaced by A.
Protein change: p.Ser2299Asn; replaces serine 2299 with asparagine.
Molecular consequence: missense variant.
Genome position (GRCh38, 1-based): chr6:38,870,468, G>A. VCF-style: chr6-38870468-G-A. GRCh37 (hg19) VCF-style: chr6-38838244-G-A.
Other names: c.6245G>A, p.Ser2082Asn (NM_001371.4); short protein forms S2299N, S2082N.
Identifiers: ClinVar variation 571375 (VCV000571375.7), dbSNP rs1269105628, ClinGen allele CA364026194.

ClinVar aggregate classification (germline): Uncertain significance (1 of 4 stars; one submission).

Conditions:
Primary ciliary dyskinesia. Also called: Ciliary dyskinesia. Identifiers: Orphanet 244, MedGen C0008780, MONDO:0016575, HP:0012265.

Allele frequency attached by ClinVar (database versions not stated): gnomAD 0.00002; TOPMed 0.00003.
gnomAD v4.1: 4 of 1,613,956 alleles (0.00025%); highest among the groups gnomAD compares: African/African-American, 0.004%; no homozygotes.

Submission:

Labcorp Genetics (formerly Invitae), Labcorp
Classification: Uncertain significance for Primary ciliary dyskinesia. Last evaluated: 2021-11-22. Review status: criteria provided, single submitter. Criteria: Invitae Variant Classification Sherloc (09022015). Collection method: clinical testing. Allele origin: germline.
Comment: This sequence change replaces serine, which is neutral and polar, with asparagine, which is neutral and polar, at codon 2299 of the DNAH8 protein (p.Ser2299Asn). This variant is not present in population databases (gnomAD no frequency). This variant has not been reported in the literature in individuals affected with DNAH8-related conditions. ClinVar contains an entry for this variant (Variation ID: 571375). Algorithms developed to predict the effect of missense changes on protein structure and function are either unavailable or do not agree on the potential impact of this missense change (SIFT: "Deleterious"; PolyPhen-2: "Not Available"; Align-GVGD: "Class C0"). In summary, the available evidence is currently insufficient to determine the role of this variant in disease. Therefore, it has been classified as a Variant of Uncertain Significance.